The following is an entry in ClinVar:

ClinVar aggregate classification (germline): Uncertain significance (1 of 4 stars; one submission).

Allele frequency attached by ClinVar (database versions not stated): gnomAD exomes below 0.00001.
gnomAD v4.1: 1 of 1,579,646 alleles (0.000063%); highest among the groups gnomAD compares: Admixed American, 0.0017%; no homozygotes.

Submission:

Labcorp Genetics (formerly Invitae), Labcorp
Classification: Uncertain significance. Last evaluated: 2022-09-27. Review status: criteria provided, single submitter. Criteria: Invitae Variant Classification Sherloc (09022015). Collection method: clinical testing. Allele origin: germline.
Comment: This sequence change replaces isoleucine, which is neutral and non-polar, with methionine, which is neutral and non-polar, at codon 387 of the ITGA6 protein (p.Ile387Met). This variant is not present in population databases (gnomAD no frequency). This variant has not been reported in the literature in individuals affected with ITGA6-related conditions. Advanced modeling of protein sequence and biophysical properties (such as structural, functional, and spatial information, amino acid conservation, physicochemical variation, residue mobility, and thermodynamic stability) performed at Invitae indicates that this missense variant is not expected to disrupt ITGA6 protein function. In summary, the available evidence is currently insufficient to determine the role of this variant in disease. Therefore, it has been classified as a Variant of Uncertain Significance.

NM_000210.4(ITGA6):c.1161T>G (p.Ile387Met)

Genes: ITGA6 (integrin subunit alpha 6; plus strand), PDK1-AS1 (PDK1 and ITGA6 antisense RNA 1; minus strand). Cytogenetic location: 2q31.1.
Variant type: single nucleotide variant.
Coding change: c.1161T>G on transcript NM_000210.4 (MANE Select); coding-DNA position 1161, T replaced by G.
Protein change: p.Ile387Met; replaces isoleucine 387 with methionine.
Molecular consequence: missense variant.
Genome position (GRCh38, 1-based): chr2:172,475,103, T>G. VCF-style: chr2-172475103-T-G. GRCh37 (hg19) VCF-style: chr2-173339831-T-G.
Other names: c.1161T>G, p.Ile387Met (NM_001079818.3, NM_001365529.2, NM_001365530.2); c.804T>G, p.Ile268Met (NM_001316306.2); c.1278T>G, p.Ile426Met (NM_001394928.1); short protein forms I268M, I387M, I426M.
Identifiers: ClinVar variation 1947790 (VCV001947790.2), dbSNP rs2468317564, ClinGen allele CA349309405.